The following is an entry in ClinVar:

NM_018089.3(ANKZF1):c.1370C>T (p.Thr457Ile)

Gene: ANKZF1 (ankyrin repeat and zinc finger peptidyl tRNA hydrolase 1; plus strand). Cytogenetic location: 2q35.
Variant type: single nucleotide variant.
Coding change: c.1370C>T on transcript NM_018089.3 (MANE Select); coding-DNA position 1370, C replaced by T.
Protein change: p.Thr457Ile; replaces threonine 457 with isoleucine.
Molecular consequence: missense variant.
Genome position (GRCh38, 1-based): chr2:219,234,991, C>T. VCF-style: chr2-219234991-C-T. GRCh37 (hg19) VCF-style: chr2-220099713-C-T.
Other names: c.1370C>T, p.Thr457Ile (NM_001042410.2); c.740C>T, p.Thr247Ile (NM_001282792.2); c.1370C>T (NM_018089.2); short protein forms T457I, T247I.
Identifiers: ClinVar variation 780101 (VCV000780101.12), dbSNP rs140395841, ClinGen allele CA2121049.

ClinVar aggregate classification (germline): Benign. Review status: criteria provided, multiple submitters, no conflicts (2 of 4 stars). 3 submissions from 3 submitters: Benign (2). 1 of the submissions does not count toward it. Last evaluated 2026-02-01.

Conditions:
ANKZF1-related disorder. Also called: ANKZF1-related condition.

Allele frequency attached by ClinVar (database versions not stated): 1000 Genomes Project 30x 0.00172; 1000 Genomes Project 0.00200; gnomAD 0.00454 and 0.00479; ESP Exome Variant Server 0.00475; TOPMed 0.00487; ExAC 0.00658; gnomAD exomes 0.00666 and 0.00710.
gnomAD v4.1: 11,093 of 1,614,240 alleles (0.69%); highest among the groups gnomAD compares: Middle Eastern, 2.5%; 63 homozygotes.

Submissions (3):

Labcorp Genetics (formerly Invitae), Labcorp
Classification: Benign. Last evaluated: 2026-02-01. Review status: criteria provided, single submitter. Criteria: Invitae Variant Classification Sherloc (09022015). Collection method: clinical testing. Allele origin: germline.

Breakthrough Genomics
Classification: Benign. Review status: criteria provided, single submitter. Criteria: ACMG Guidelines, 2015. Collection method: not provided. Allele origin: germline. Inheritance: Unknown mechanism. Affected: yes.

PreventionGenetics, part of Exact Sciences
Classification: Benign for ANKZF1-related condition. Last evaluated: 2020-01-14. Review status: no assertion criteria provided. Collection method: clinical testing. Allele origin: germline. Not counted in ClinVar's aggregate classification.
Comment: This variant is classified as benign based on ACMG/AMP sequence variant interpretation guidelines (Richards et al. 2015 PMID: 25741868, with internal and published modifications).